The following is an entry in ClinVar:

NM_003001.5(SDHC):c.501_503dup (p.Ala168_Met169insAla)

Gene: SDHC (succinate dehydrogenase complex subunit C; plus strand). Cytogenetic location: 1q23.3.
Variant type: Duplication.
Coding change: c.501_503dup on transcript NM_003001.5 (MANE Select); coding-DNA positions 501 to 503, 3 bases duplicated (AGC; older notation c.501_503dupAGC).
Protein change: p.Ala168_Met169insAla.
Molecular consequence: inframe insertion. On other transcripts: non-coding transcript variant (1).
Genome position (GRCh38, 1-based): chr1:161,362,424-161,362,426, AGC duplicated; duplicating any 3 consecutive bases within chr1:161,362,422-161,362,426 gives the same sequence; the c. name uses the placement nearest the transcript's 3' end. VCF-style (leftmost placement, unchanged base first): chr1-161362421-G-GGCA. GRCh37 (hg19) VCF-style: chr1-161332211-G-GGCA.
Other names: c.337_339dup, p.Ser113_His114insSer (NM_001035511.3); c.399_401dup, p.Ala134_Met135insAla (NM_001035512.3); c.342_344dup, p.Ala115_Met116insAla (NM_001035513.3); c.235_237dup, p.Ser79_His80insSer (NM_001278172.3); c.621_623dup, p.Ala208_Met209insAla (NM_001407115.1); c.444_446dup, p.Ala149_Met150insAla (NM_001407116.1); c.438_440dup, p.Ala147_Met148insAla (NM_001407117.1); c.393_395dup, p.Ala132_Met133insAla (NM_001407118.1); and 2 more.
Identifiers: ClinVar variation 2948682 (VCV002948682.3), dbSNP rs2526573849, ClinGen allele CA2740090401.
Genomic context (GRCh38, chr1:161,362,421, plus strand): 5'-CCAGCTATACCAGTCTGGAGTGGTTGTCCTGGTTCTTACTGTGTTGTCCTCTATGGGGCT[G>GGCA]GCAGCCATGTGAAGAAAGGAGGCTCCCAGCATCATCTTCCTACACATTATTACATTCACC-3'

ClinVar aggregate classification (germline): Uncertain significance (1 of 4 stars; one submission).

Conditions:
Gastrointestinal stromal tumor. Also called: Gastrointestinal stromal tumor, somatic; Gastrointestinal stroma tumor. Identifiers: Orphanet 44890, MedGen C0238198, MeSH D046152, MONDO:0011719, OMIM 606764, HP:0100723.
Pheochromocytoma/paraganglioma syndrome 3. Also called: GLOMUS TUMORS, FAMILIAL, 3; Paragangliomas 3; SDHC-Related Hereditary Paraganglioma-Pheochromocytoma Syndrome (Paragangliomas 3); SDHC-Related Hereditary Paraganglioma-Pheochromocytoma Syndrome. Identifiers: Orphanet 29072, MedGen C1854336, MONDO:0011544, OMIM 605373.

Submission:

Labcorp Genetics (formerly Invitae), Labcorp
Classification: Uncertain significance for Pheochromocytoma/paraganglioma syndrome 3; Gastrointestinal stromal tumor. Last evaluated: 2023-06-09. Review status: criteria provided, single submitter. Criteria: Invitae Variant Classification Sherloc (09022015). Collection method: clinical testing. Allele origin: germline.
Comment: In summary, the available evidence is currently insufficient to determine the role of this variant in disease. Therefore, it has been classified as a Variant of Uncertain Significance. This variant has not been reported in the literature in individuals affected with SDHC-related conditions. This variant is not present in population databases (gnomAD no frequency). This variant, c.501_503dup, results in the insertion of 1 amino acid(s) of the SDHC protein (p.Ala168dup), but otherwise preserves the integrity of the reading frame.